The following is an entry in ClinVar:

ClinVar aggregate classification (germline): Uncertain significance (1 of 4 stars; one submission).

Submission:

CeGaT Center for Human Genetics Tuebingen
Classification: Uncertain significance. Last evaluated: 2023-02-01. Review status: criteria provided, single submitter. Criteria: CeGaT Center For Human Genetics Tuebingen Variant Classification Criteria Version 2. Collection method: clinical testing. Allele origin: germline. Affected: yes. Observed: 1 variant allele.
Comment: NPC2: PM2, BP4

NM_006432.5(NPC2):c.373G>C (p.Val125Leu)

Gene: NPC2 (NPC intracellular cholesterol transporter 2; minus strand). Cytogenetic location: 14q24.3.
Variant type: single nucleotide variant.
Coding change: c.373G>C on transcript NM_006432.5 (MANE Select); coding-DNA position 373, G replaced by C.
Protein change: p.Val125Leu; replaces valine 125 with leucine.
Molecular consequence: missense variant. On other transcripts: intron variant (1).
Genome position (GRCh38, 1-based): chr14:74,480,770, C>G on the plus strand (G>C on the coding strand, the complement: NPC2 is on the minus strand). VCF-style: chr14-74480770-C-G. GRCh37 (hg19) VCF-style: chr14-74947473-C-G.
Other names: c.373G>C, p.Val125Leu (NM_001363688.1); c.364-482G>C (NM_001375440.1); short protein forms V125L.
Identifiers: ClinVar variation 2498596 (VCV002498596.28), dbSNP rs752134010, ClinGen allele CA390531952.